The following is an entry in ClinVar:

ClinVar aggregate classification (germline): Uncertain significance (1 of 4 stars; one submission).

Submission:

GeneDx
Classification: Uncertain significance. Last evaluated: 2026-03-17. Review status: criteria provided, single submitter. Criteria: GeneDx Variant Classification Process June 2021. Collection method: clinical testing. Allele origin: germline.
Comment: Not observed at significant frequency in large population cohorts (gnomAD); In silico analysis supports a deleterious effect on splicing; Has not been previously published as pathogenic or benign to our knowledge

NM_007289.4(MME):c.439+5G>A

Gene: MME (membrane metalloendopeptidase; plus strand). Cytogenetic location: 3q25.2.
Variant type: single nucleotide variant.
Coding change: c.439+5G>A on transcript NM_007289.4 (MANE Select); 5 bases into the intron after coding-DNA position 439, G replaced by A.
Molecular consequence: intron variant.
Genome position (GRCh38, 1-based): chr3:155,116,564, G>A. VCF-style: chr3-155116564-G-A. GRCh37 (hg19) VCF-style: chr3-154834353-G-A.
Other names: c.439+5G>A (NM_001354642.2, NM_000902.5, NM_007287.4 and 2 more transcripts).
Identifiers: ClinVar variation 4975131 (VCV004975131.1).
Genomic context (GRCh38, chr3:155,116,564, plus strand): 5'-AGATATAGTAGCAGTGCAGAAAGCAAAAGCATTGTACAGGTCTTGTATAAATGAATGTAA[G>A]TGCTCTTCATTTGATTTCATTAGGAGTATATATATATATATATTGGTGCCAAACTATGCC-3'